The following is an entry in ClinVar:

NM_007294.4(BRCA1):c.4963T>G (p.Ser1655Ala)

Gene: BRCA1 (BRCA1 DNA repair associated; minus strand). Cytogenetic location: 17q21.31.
Variant type: single nucleotide variant.
Coding change: c.4963T>G on transcript NM_007294.4 (MANE Select); coding-DNA position 4963, T replaced by G.
Protein change: p.Ser1655Ala; replaces serine 1655 with alanine.
Molecular consequence: missense variant. On other transcripts: non-coding transcript variant (1).
Genome position (GRCh38, 1-based): chr17:43,070,951, A>C on the plus strand (T>G on the coding strand, the complement: BRCA1 is on the minus strand). VCF-style: chr17-43070951-A-C. GRCh37 (hg19) VCF-style: chr17-41222968-A-C.
Other names: c.4750T>G, p.Ser1584Ala (NM_001407571.1, NM_001407894.1, NM_001407895.1 and 12 more transcripts); c.5029T>G, p.Ser1677Ala (NM_001407581.1, NM_001407582.1); c.5026T>G, p.Ser1676Ala (NM_001407583.1, NM_001407585.1, NM_001407587.1 and 1 more transcripts); c.5023T>G, p.Ser1675Ala (NM_001407590.1, NM_001407591.1); c.4963T>G, p.Ser1655Ala (NM_001407593.1, NM_001407594.1, NM_001407596.1 and 8 more transcripts); c.4960T>G, p.Ser1654Ala (NM_001407610.1, NM_001407611.1, NM_001407622.1 and 17 more transcripts); c.4957T>G, p.Ser1653Ala (NM_001407627.1, NM_001407628.1, NM_001407629.1 and 14 more transcripts); c.4954T>G, p.Ser1652Ala (NM_001407644.1, NM_001407645.1); and 70 more; short protein forms S1655A, S551A, S1608A, S1676A, S1358A, S1359A, S1527A, S1565A.
Identifiers: ClinVar variation 865734 (VCV000865734.3), dbSNP rs1057518639, ClinGen allele CA10591597.

Conditions:
Breast-ovarian cancer, familial, susceptibility to, 1 (BROVCA1). Also called: BRCA1 Hereditary Breast and Ovarian Cancer; OVARIAN CANCER, SUSCEPTIBILITY TO. Identifiers: Orphanet 145, MedGen C2676676, MONDO:0011450, OMIM 604370. Disease mechanism: loss of function.

Submission:

Brotman Baty Institute, University of Washington
No classification provided (evidence only). Condition: Breast-ovarian cancer, familial 1. Review status: no classification provided. Collection method: in vitro. Allele origin: not applicable. Functional consequence: function_uncertain_variant.
ClinVar note: "not provided" was previously submitted as the classification for the variant. However, the classification appeared to be based only on an observation of functional data so it was converted to no classification on 2025-07-30.